The following is an entry in ClinVar:

ClinVar aggregate classification (germline): Likely benign (0 of 4 stars; one submission).

Conditions:
GRIN2C-related disorder. Also called: GRIN2C-related condition.

Allele frequency attached by ClinVar (database versions not stated): gnomAD exomes 0.00011; ExAC 0.00015; gnomAD 0.00103.

Submission:

PreventionGenetics, part of Exact Sciences
Classification: Likely benign for GRIN2C-related condition. Last evaluated: 2022-06-14. Review status: no assertion criteria provided. Collection method: clinical testing. Allele origin: germline.
Comment: This variant is classified as likely benign based on ACMG/AMP sequence variant interpretation guidelines (Richards et al. 2015 PMID: 25741868, with internal and published modifications).

NM_000835.6(GRIN2C):c.3547_3567dup (p.Gly1189_Arg1190insGlyProLeuGlyHisArgGly)

Gene: GRIN2C (glutamate ionotropic receptor NMDA type subunit 2C; minus strand). Cytogenetic location: 17q25.1.
Variant type: Duplication.
Coding change: c.3547_3567dup on transcript NM_000835.6 (MANE Select); coding-DNA positions 3547 to 3567, 21 bases duplicated (GGGCCTCTGGGGCACAGGGGC).
Protein change: p.Gly1189_Arg1190insGlyProLeuGlyHisArgGly.
Molecular consequence: non-coding transcript variant (on NR_103735.2).
Genome position (GRCh38, 1-based): chr17:74,842,570-74,842,590, GCCCCTGTGCCCCAGAGGCCC duplicated on the plus strand (GGGCCTCTGGGGCACAGGGGC on the coding strand, the reverse complement: GRIN2C is on the minus strand). VCF-style (leftmost placement, unchanged base first): chr17-74842569-T-TGCCCCTGTGCCCCAGAGGCCC. GRCh37 (hg19) VCF-style: chr17-72838708-T-TGCCCCTGTGCCCCAGAGGCCC.
Identifiers: ClinVar variation 3047243 (VCV003047243.2), dbSNP rs768223291, ClinGen allele CA8751932.